The following is an entry in ClinVar:

ClinVar aggregate classification (germline): Uncertain significance (1 of 4 stars; one submission).

Conditions:
Hereditary cancer-predisposing syndrome. Also called: Hereditary neoplastic syndrome; Neoplastic Syndromes, Hereditary; Tumor predisposition; Hereditary Cancer Syndrome. Identifiers: Orphanet 140162, MedGen C0027672, MeSH D009386, MONDO:0015356.

Submission:

Ambry Genetics
Classification: Uncertain significance for Hereditary cancer-predisposing syndrome. Last evaluated: 2025-01-10. Review status: criteria provided, single submitter. Criteria: Ambry Variant Classification Scheme 2023. Collection method: clinical testing. Allele origin: germline.
Comment: The p.A2671P variant (also known as c.8011G>C), located in coding exon 17 of the BRCA2 gene, results from a G to C substitution at nucleotide position 8011. The alanine at codon 2671 is replaced by proline, an amino acid with highly similar properties. This amino acid position is highly conserved in available vertebrate species. In addition, this alteration is predicted to be deleterious by in silico analysis. Based on the available evidence, the clinical significance of this variant remains unclear.

NM_000059.4(BRCA2):c.8011G>C (p.Ala2671Pro)

Gene: BRCA2 (BRCA2 DNA repair associated; plus strand). Cytogenetic location: 13q13.1.
Variant type: single nucleotide variant.
Coding change: c.8011G>C on transcript NM_000059.4 (MANE Select); coding-DNA position 8011, G replaced by C.
Protein change: p.Ala2671Pro; replaces alanine 2671 with proline.
Molecular consequence: missense variant. On other transcripts: non-coding transcript variant (1).
Genome position (GRCh38, 1-based): chr13:32,363,213, G>C. VCF-style: chr13-32363213-G-C. GRCh37 (hg19) VCF-style: chr13-32937350-G-C.
Other names: c.7915G>C, p.Ala2639Pro (NM_001406719.1); c.8011G>C, p.Ala2671Pro (NM_001406720.1, NM_001432077.1); c.3079G>C, p.Ala1027Pro (NM_001406721.1); c.1594G>C, p.Ala532Pro (NM_001406722.1); short protein forms A2639P, A2671P, A532P, A1027P.
Identifiers: ClinVar variation 3825401 (VCV003825401.1).
Genomic context (GRCh38, chr13:32,363,213, plus strand): 5'-ATATGCATTTTTGTTTTCACTTTTAGATATGATACGGAAATTGATAGAAGCAGAAGATCG[G>C]CTATAAAAAAGATAATGGAAAGGGATGACACAGCTGCAAAAACACTTGTTCTCTGTGTTT-3'
Protein context (NP_000050.3, residues 2661-2681): DTEIDRSRRS[Ala2671Pro]IKKIMERDDT